The following is an entry in ClinVar:

NM_021954.4(GJA3):c.246C>G (p.Ile82Met)

Gene: GJA3 (gap junction protein alpha 3; minus strand). Cytogenetic location: 13q12.11.
Variant type: single nucleotide variant.
Coding change: c.246C>G on transcript NM_021954.4 (MANE Select); coding-DNA position 246, C replaced by G.
Protein change: p.Ile82Met; replaces isoleucine 82 with methionine.
Molecular consequence: missense variant.
Genome position (GRCh38, 1-based): chr13:20,143,043, G>C on the plus strand (C>G on the coding strand, the complement: GJA3 is on the minus strand). VCF-style: chr13-20143043-G-C. GRCh37 (hg19) VCF-style: chr13-20717182-G-C.
Other names: short protein forms I82M.
Identifiers: ClinVar variation 663670 (VCV000663670.9), dbSNP rs781267768, ClinGen allele CA387465238.

ClinVar aggregate classification (germline): Uncertain significance (1 of 4 stars; one submission).

Conditions:
Cataract 14 multiple types. Also called: CATARACT 14, NUCLEAR PULVERULENT; CATARACT 14, NUCLEAR PULVERULENT AND POSTERIOR POLAR; CATARACT 14, NUCLEAR CORALLIFORM; CATARACT 14, EMBRYONAL NUCLEAR; CATARACT 14, COPPOCK-LIKE; CATARACT 14, ZONULAR PULVERULENT. Identifiers: Orphanet 91492, MedGen C1866078, MONDO:0011162, OMIM 601885.

Submission:

Labcorp Genetics (formerly Invitae), Labcorp
Classification: Uncertain significance for Cataract 14 multiple types. Last evaluated: 2019-02-10. Review status: criteria provided, single submitter. Criteria: Invitae Variant Classification Sherloc (09022015). Collection method: clinical testing. Allele origin: germline.
Comment: Algorithms developed to predict the effect of missense changes on protein structure and function are either unavailable or do not agree on the potential impact of this missense change (SIFT: "Deleterious"; PolyPhen-2: "Probably Damaging"; Align-GVGD: "Class C0"). In summary, the available evidence is currently insufficient to determine the role of this variant in disease. Therefore, it has been classified as a Variant of Uncertain Significance. This variant has not been reported in the literature in individuals with GJA3-related conditions. This variant is not present in population databases (ExAC no frequency). This sequence change replaces isoleucine with methionine at codon 82 of the GJA3 protein (p.Ile82Met). The isoleucine residue is highly conserved and there is a small physicochemical difference between isoleucine and methionine.